The following is an entry in ClinVar:

ClinVar aggregate classification (germline): Conflicting classifications of pathogenicity. Review status: criteria provided, conflicting classifications (1 of 4 stars). 7 submissions from 7 submitters: Uncertain significance (4); Likely benign (3). Last evaluated 2026-01-12.

Conditions:
Cardiovascular phenotype. Identifiers: MedGen CN230736.
Heart failure. Identifiers: MedGen C0018801, MONDO:0005252.
Dilated cardiomyopathy 1DD (CMD1DD). Identifiers: Orphanet 154, MedGen C2750995, MONDO:0013168, OMIM 613172.

Allele frequency attached by ClinVar (database versions not stated): gnomAD 0.00003; TOPMed 0.00015.
gnomAD v4.1: 41 of 1,551,600 alleles (0.0026%); highest among the groups gnomAD compares: Admixed American, 0.024%; no homozygotes.

Submissions (7):

Labcorp Genetics (formerly Invitae), Labcorp
Classification: Likely benign for Dilated cardiomyopathy 1DD. Last evaluated: 2026-01-12. Review status: criteria provided, single submitter. Criteria: Invitae Variant Classification Sherloc (09022015). Collection method: clinical testing. Allele origin: germline.

Ambry Genetics
Classification: Uncertain significance for Cardiovascular phenotype. Last evaluated: 2024-06-07. Review status: criteria provided, single submitter. Criteria: Ambry Variant Classification Scheme 2023. Collection method: clinical testing. Allele origin: germline.
Comment: The p.R1057W variant (also known as c.3169C>T), located in coding exon 11 of the RBM20 gene, results from a C to T substitution at nucleotide position 3169. The arginine at codon 1057 is replaced by tryptophan, an amino acid with dissimilar properties. This variant has been detected in an individual with dilated cardiomyopathy (Robles-Mezcua A et al. Eur J Med Genet. 2021 Sep;64(9):104278). This amino acid position is poorly conserved in available vertebrate species. In addition, this alteration is predicted to be tolerated by in silico analysis. Based on the available evidence, the clinical significance of this variant remains unclear.

GeneDx
Classification: Uncertain significance. Last evaluated: 2024-04-18. Review status: criteria provided, single submitter. Criteria: GeneDx Variant Classification Process June 2021. Collection method: clinical testing. Allele origin: germline. Affected: yes.
Comment: In silico analysis indicates that this missense variant does not alter protein structure/function; Reported in an individual with DCM and in an individual with drug-induced arrhythmia in published literature (PMID: 34174465, 31376648); This variant is associated with the following publications: (PMID: 34174465, 31376648)

Blueprint Genetics
Classification: Likely benign. Last evaluated: 2023-07-28. Review status: criteria provided, single submitter. Criteria: ACMG Guidelines, 2015. Collection method: clinical testing. Allele origin: germline.

Mayo Clinic Laboratories, Mayo Clinic
Classification: Uncertain significance. Last evaluated: 2021-10-13. Review status: criteria provided, single submitter. Criteria: ACMG Guidelines, 2015. Collection method: clinical testing. Allele origin: germline.

ARUP Laboratories, Molecular Genetics and Genomics, ARUP Laboratories
Classification: Uncertain significance for Dilated cardiomyopathy 1DD. Last evaluated: 2020-12-21. Review status: criteria provided, single submitter. Criteria: ARUP Molecular Germline Variant Investigation Process 2021. Collection method: clinical testing. Allele origin: germline.
Comment: The RBM20 c.3169C>T; p.Arg1057Trp variant (rs199830512), to our knowledge, is not reported in the medical literature but is reported in ClinVar (Variation ID: 470608). This variant is found in the general population with an overall allele frequency of 0.01% (17/187988 alleles) in the Genome Aggregation Database. The arginine at codon 1057 is moderately conserved, and computational analyses are uncertain whether this variant is neutral or deleterious (REVEL: 0.189). Due to limited information, the clinical significance of the p.Arg1057Trp variant is uncertain at this time.

Center for Advanced Laboratory Medicine, UC San Diego Health, University of California San Diego
Classification: Likely benign for Heart failure. Last evaluated: 2019-03-18. Review status: criteria provided, single submitter. Criteria: ACMG Guidelines, 2015. Collection method: clinical testing. Allele origin: germline. Affected: yes. Observed: 2 variant alleles.

Literature cited by the submitters: PubMed 34174465 (cited by Ambry Genetics).

NM_001134363.3(RBM20):c.3169C>T (p.Arg1057Trp)

Gene: RBM20 (RNA binding motif protein 20; plus strand). Cytogenetic location: 10q25.2.
Variant type: single nucleotide variant.
Coding change: c.3169C>T on transcript NM_001134363.3 (MANE Select); coding-DNA position 3169, C replaced by T.
Protein change: p.Arg1057Trp; replaces arginine 1057 with tryptophan.
Molecular consequence: missense variant.
Genome position (GRCh38, 1-based): chr10:110,821,788, C>T. VCF-style: chr10-110821788-C-T. GRCh37 (hg19) VCF-style: chr10-112581546-C-T.
Other names: p.Arg1057Trp; short protein forms R1057W.
Identifiers: ClinVar variation 470608 (VCV000470608.26), dbSNP rs199830512, ClinGen allele CA5688733.